The following is an entry in ClinVar:

ClinVar aggregate classification (germline): Benign (0 of 4 stars; one submission).

Conditions:
SLC7A2-related disorder. Also called: SLC7A2-related condition.

Allele frequency attached by ClinVar (database versions not stated): 1000 Genomes Project 30x 0.02592; 1000 Genomes Project 0.02616; TOPMed 0.07454; gnomAD 0.08556; ExAC 0.08848; ESP Exome Variant Server 0.09042; gnomAD exomes 0.11876.
gnomAD v4.1: 185,137 of 1,613,836 alleles (11%); highest among the groups gnomAD compares: Non-Finnish European, 13%; 12,498 homozygotes.

Submission:

PreventionGenetics, part of Exact Sciences
Classification: Benign for SLC7A2-related condition. Last evaluated: 2019-11-19. Review status: no assertion criteria provided. Collection method: clinical testing. Allele origin: germline.
Comment: This variant is classified as benign based on ACMG/AMP sequence variant interpretation guidelines (Richards et al. 2015 PMID: 25741868, with internal and published modifications).

NM_001370338.1(SLC7A2):c.1591G>A (p.Ala531Thr)

Gene: SLC7A2 (solute carrier family 7 member 2; plus strand). Cytogenetic location: 8p22.
Variant type: single nucleotide variant.
Coding change: c.1591G>A on transcript NM_001370338.1 (MANE Select); coding-DNA position 1591, G replaced by A.
Protein change: p.Ala531Thr; replaces alanine 531 with threonine.
Molecular consequence: missense variant.
Genome position (GRCh38, 1-based): chr8:17,562,030, G>A. VCF-style: chr8-17562030-G-A. GRCh37 (hg19) VCF-style: chr8-17419539-G-A.
Other names: c.1591G>A, p.Ala531Thr (NM_001008539.4); c.1711G>A, p.Ala571Thr (NM_001164771.2); c.1588G>A, p.Ala530Thr (NM_001370337.1); c.1708G>A, p.Ala570Thr (NM_003046.6); short protein forms A530T, A531T, A570T, A571T.
Identifiers: ClinVar variation 3056766 (VCV003056766.2), dbSNP rs62622371, ClinGen allele CA4645217.